The following is an entry in ClinVar:

ClinVar aggregate classification (germline): Conflicting classifications of pathogenicity. Review status: criteria provided, conflicting classifications (1 of 4 stars). 2 submissions from 2 submitters: Uncertain significance (1); Likely benign (1). Last evaluated 2022-07-21.

Conditions:
Brugada syndrome. Also called: Sudden unexpected nocturnal death syndrome; Sudden unexplained nocturnal death syndrome; Sudden Unexplained Death Syndrome; Sudden Unexplained Nocturnal Death Syndrome (SUNDS). Identifiers: Orphanet 130, MedGen C1142166, MONDO:0015263.
Cardiovascular phenotype. Identifiers: MedGen CN230736.

Submissions (2):

Labcorp Genetics (formerly Invitae), Labcorp
Classification: Uncertain significance for Brugada syndrome. Last evaluated: 2022-07-21. Review status: criteria provided, single submitter. Criteria: Invitae Variant Classification Sherloc (09022015). Collection method: clinical testing. Allele origin: germline.
Comment: This sequence change creates a premature translational stop signal (p.Arg478Alafs*13) in the SCN10A gene. It is expected to result in an absent or disrupted protein product. However, the current clinical and genetic evidence is not sufficient to establish whether loss-of-function variants in SCN10A cause disease. This variant is present in population databases (rs771158339, gnomAD 0.02%). This variant has not been reported in the literature in individuals affected with SCN10A-related conditions. In summary, the available evidence is currently insufficient to determine the role of this variant in disease. Therefore, it has been classified as a Variant of Uncertain Significance.

Ambry Genetics
Classification: Likely benign for Cardiovascular phenotype. Last evaluated: 2022-02-15. Review status: criteria provided, single submitter. Criteria: Ambry Variant Classification Scheme 2023. Collection method: clinical testing. Allele origin: germline.

NM_006514.4(SCN10A):c.1432del (p.Arg478fs)

Gene: SCN10A (sodium voltage-gated channel alpha subunit 10; minus strand). Cytogenetic location: 3p22.2.
Variant type: Deletion.
Coding change: c.1432del on transcript NM_006514.4 (MANE Select); coding-DNA position 1432, one base deleted (C; older notation c.1432delC).
Protein change: p.Arg478fs; shifts the reading frame from arginine 478.
Molecular consequence: frameshift variant.
Genome position (GRCh38, 1-based): chr3:38,755,817, G deleted on the plus strand (C on the coding strand, the reverse complement: SCN10A is on the minus strand); the first of 4 consecutive G bases (chr3:38,755,817-38,755,820); deleting any one gives the same sequence. VCF-style (leftmost placement, unchanged base first): chr3-38755816-CG-C. GRCh37 (hg19) VCF-style: chr3-38797307-CG-C.
Other names: c.1432del, p.Arg478fs (NM_001293306.2, NM_001293307.2); short protein forms R478fs.
Identifiers: ClinVar variation 1772531 (VCV001772531.4), dbSNP rs771158339, ClinGen allele CA2320869.